The following is an entry in ClinVar:

ClinVar aggregate classification (germline): Uncertain significance (1 of 4 stars; one submission).

Submission:

Labcorp Genetics (formerly Invitae), Labcorp
Classification: Uncertain significance. Last evaluated: 2023-09-05. Review status: criteria provided, single submitter. Criteria: Invitae Variant Classification Sherloc (09022015). Collection method: clinical testing. Allele origin: germline.
Comment: In summary, the available evidence is currently insufficient to determine the role of this variant in disease. Therefore, it has been classified as a Variant of Uncertain Significance. Advanced modeling of protein sequence and biophysical properties (such as structural, functional, and spatial information, amino acid conservation, physicochemical variation, residue mobility, and thermodynamic stability) performed at Invitae indicates that this missense variant is not expected to disrupt ATP1A1 protein function. This variant has not been reported in the literature in individuals affected with ATP1A1-related conditions. This variant is not present in population databases (gnomAD no frequency). This sequence change replaces glycine, which is neutral and non-polar, with valine, which is neutral and non-polar, at codon 975 of the ATP1A1 protein (p.Gly975Val).

NM_000701.8(ATP1A1):c.2924G>T (p.Gly975Val)

Genes: ATP1A1 (ATPase Na+/K+ transporting subunit alpha 1; plus strand), ATP1A1-AS1 (ATP1A1 antisense RNA 1; minus strand). Cytogenetic location: 1p13.1.
Variant type: single nucleotide variant.
Coding change: c.2924G>T on transcript NM_000701.8 (MANE Select); coding-DNA position 2924, G replaced by T.
Protein change: p.Gly975Val; replaces glycine 975 with valine.
Molecular consequence: missense variant.
Genome position (GRCh38, 1-based): chr1:116,401,628, G>T. VCF-style: chr1-116401628-G-T. GRCh37 (hg19) VCF-style: chr1-116944250-G-T.
Other names: c.2924G>T, p.Gly975Val (NM_001160233.2); c.2831G>T, p.Gly944Val (NM_001160234.2); short protein forms G975V, G944V.
Identifiers: ClinVar variation 2791523 (VCV002791523.3), dbSNP rs2525896070, ClinGen allele CA341776117.